The following is an entry in ClinVar:

ClinVar aggregate classification (germline): Likely benign. Review status: criteria provided, multiple submitters, no conflicts (2 of 4 stars). 2 submissions from 2 submitters: Likely benign (2). Last evaluated 2026-01-28.

Conditions:
Neurodegeneration with brain iron accumulation 6 (NBIA6). Also called: COASY protein-associated neurodegeneration. Identifiers: Orphanet 397725, MedGen C4517377, MONDO:0014290, OMIM 615643.

Allele frequency attached by ClinVar (database versions not stated): gnomAD 0.00001; TOPMed 0.00002; gnomAD exomes 0.00003 and 0.00004; ExAC 0.00005.
gnomAD v4.1: 53 of 1,613,850 alleles (0.0033%); highest among the groups gnomAD compares: Non-Finnish European, 0.0039%; no homozygotes.

Submissions (2):

Labcorp Genetics (formerly Invitae), Labcorp
Classification: Likely benign for Neurodegeneration with brain iron accumulation 6. Last evaluated: 2026-01-28. Review status: criteria provided, single submitter. Criteria: Invitae Variant Classification Sherloc (09022015). Collection method: clinical testing. Allele origin: germline.

GeneDx
Classification: Likely benign. Last evaluated: 2016-05-26. Review status: criteria provided, single submitter. Criteria: GeneDx Variant Classification (06012015). Collection method: clinical testing. Allele origin: germline. Affected: yes.
Comment: This variant is considered likely benign or benign based on one or more of the following criteria: it is a conservative change, it occurs at a poorly conserved position in the protein, it is predicted to be benign by multiple in silico algorithms, and/or has population frequency not consistent with disease.

NM_025233.7(COASY):c.916-4C>G

Gene: COASY (Coenzyme A synthase; plus strand). Cytogenetic location: 17q21.2.
Variant type: single nucleotide variant.
Coding change: c.916-4C>G on transcript NM_025233.7 (MANE Select); 4 bases into the intron before coding-DNA position 916, C replaced by G.
Molecular consequence: intron variant.
Genome position (GRCh38, 1-based): chr17:42,564,442, C>G. VCF-style: chr17-42564442-C-G. GRCh37 (hg19) VCF-style: chr17-40716460-C-G.
Other names: c.1003-4C>G (NM_001042532.4); c.916-4C>G (NM_001042529.3).
Identifiers: ClinVar variation 386056 (VCV000386056.4), dbSNP rs530335241, ClinGen allele CA8578144.